The following is an entry in ClinVar:

ClinVar aggregate classification (germline): Likely pathogenic (0 of 4 stars; one submission).

Conditions:
DHH-related disorder. Also called: DHH-related condition.

Allele frequency attached by ClinVar (database versions not stated): gnomAD 0.00001.
gnomAD v4.1: 5 of 1,599,736 alleles (0.00031%); highest among the groups gnomAD compares: Admixed American, 0.0067%; no homozygotes.

Submission:

PreventionGenetics, part of Exact Sciences
Classification: Likely pathogenic for DHH-related condition. Last evaluated: 2024-01-03. Review status: no assertion criteria provided. Collection method: clinical testing. Allele origin: germline.
Comment: The DHH c.566-2A>G variant is predicted to disrupt the AG splice acceptor site and interfere with normal splicing. To our knowledge, this variant has not been reported in the literature. This variant is reported in 0.0088% of alleles in individuals of Latino descent in gnomAD. Variants that disrupt the consensus splice acceptor site in DHH are expected to be pathogenic. This variant is interpreted as likely pathogenic.

NM_021044.4(DHH):c.566-2A>G

Gene: DHH (desert hedgehog signaling molecule; minus strand). Cytogenetic location: 12q13.12.
Variant type: single nucleotide variant.
Coding change: c.566-2A>G on transcript NM_021044.4 (MANE Select); the canonical splice acceptor site of the intron before coding-DNA position 566, A replaced by G.
Molecular consequence: splice acceptor variant.
Genome position (GRCh38, 1-based): chr12:49,090,486, T>C on the plus strand (A>G on the coding strand, the complement: DHH is on the minus strand). VCF-style: chr12-49090486-T-C. GRCh37 (hg19) VCF-style: chr12-49484269-T-C.
Identifiers: ClinVar variation 3029074 (VCV003029074.2), dbSNP rs1178487029, ClinGen allele CA384719716.